The following is an entry in ClinVar:

ClinVar aggregate classification (germline): Uncertain significance. Review status: criteria provided, multiple submitters, no conflicts (2 of 4 stars). 2 submissions from 2 submitters: Uncertain significance (2). Last evaluated 2026-05-08.

Conditions:
Hereditary diffuse gastric adenocarcinoma (HDGC). Also called: DIFFUSE GASTRIC AND LOBULAR BREAST CANCER SYNDROME. Identifiers: Orphanet 26106, MedGen C1708349, MONDO:0007648, OMIM 137215.
Hereditary cancer-predisposing syndrome. Also called: Tumor predisposition; Hereditary Cancer Syndrome; Hereditary neoplastic syndrome; Neoplastic Syndromes, Hereditary. Identifiers: Orphanet 140162, MedGen C0027672, MeSH D009386, MONDO:0015356.

Allele frequency attached by ClinVar (database versions not stated): gnomAD exomes below 0.00001.
gnomAD v4.1: 1 of 1,614,184 alleles (0.000062%); highest among the groups gnomAD compares: African/African-American, 0.0013%; no homozygotes.

Submissions (2):

Ambry Genetics
Classification: Uncertain significance for Hereditary cancer-predisposing syndrome. Last evaluated: 2026-05-08. Review status: criteria provided, single submitter. Criteria: Ambry Variant Classification Scheme 2023. Collection method: clinical testing. Allele origin: germline.
Comment: The p.P312L variant (also known as c.935C>T), located in coding exon 7 of the CDH1 gene, results from a C to T substitution at nucleotide position 935. The proline at codon 312 is replaced by leucine, an amino acid with similar properties. This amino acid position is highly conserved in available vertebrate species. In addition, the in silico prediction for this alteration is inconclusive. Based on the available evidence, the clinical significance of this variant remains unclear.

Labcorp Genetics (formerly Invitae), Labcorp
Classification: Uncertain significance for Hereditary diffuse gastric adenocarcinoma. Last evaluated: 2022-04-20. Review status: criteria provided, single submitter. Criteria: Invitae Variant Classification Sherloc (09022015). Collection method: clinical testing. Allele origin: germline.
Comment: Algorithms developed to predict the effect of missense changes on protein structure and function (SIFT, PolyPhen-2, Align-GVGD) all suggest that this variant is likely to be disruptive. This sequence change replaces proline, which is neutral and non-polar, with leucine, which is neutral and non-polar, at codon 312 of the CDH1 protein (p.Pro312Leu). This variant is not present in population databases (gnomAD no frequency). This variant has not been reported in the literature in individuals affected with CDH1-related conditions. In summary, the available evidence is currently insufficient to determine the role of this variant in disease. Therefore, it has been classified as a Variant of Uncertain Significance.

NM_004360.5(CDH1):c.935C>T (p.Pro312Leu)

Gene: CDH1 (cadherin 1; plus strand). Cytogenetic location: 16q22.1.
Variant type: single nucleotide variant.
Coding change: c.935C>T on transcript NM_004360.5 (MANE Select); coding-DNA position 935, C replaced by T.
Protein change: p.Pro312Leu; replaces proline 312 with leucine.
Molecular consequence: missense variant. On other transcripts: 5 prime UTR variant (2).
Genome position (GRCh38, 1-based): chr16:68,811,786, C>T. VCF-style: chr16-68811786-C-T. GRCh37 (hg19) VCF-style: chr16-68845689-C-T.
Other names: c.935C>T, p.Pro312Leu (NM_001317184.2); c.-681C>T (NM_001317185.2); c.-885C>T (NM_001317186.2); short protein forms P312L.
Identifiers: ClinVar variation 2191022 (VCV002191022.5), dbSNP rs2152132053, ClinGen allele CA396459752.